The following is an entry in ClinVar:

ClinVar aggregate classification (germline): Benign/Likely benign. Review status: criteria provided, multiple submitters, no conflicts (2 of 4 stars). 8 submissions from 7 submitters: Benign (7); Likely benign (1). Last evaluated 2026-05-13.

Conditions:
Fibrochondrogenesis 1 (FBCG1). Identifiers: Orphanet 2021, MedGen C3278138, MONDO:0009226, OMIM 228520.
Stickler syndrome type 2 (STL2). Also called: COL11A1-Related Stickler Syndrome; STICKLER SYNDROME, TYPE II; STICKLER SYNDROME, BEADED VITREOUS TYPE; STICKLER SYNDROME, VITREOUS TYPE 2. Identifiers: Orphanet 828, Orphanet 90654, MedGen C1858084, MONDO:0011493, OMIM 604841.
Connective tissue disorder. Also called: Connective tissue disease. Identifiers: MedGen C0009782, MONDO:0003900.

Allele frequency attached by ClinVar (database versions not stated): gnomAD 0.00956 and 0.00895; gnomAD exomes 0.00229 and 0.00073; ExAC 0.00287; 1000 Genomes Project 0.01118; TOPMed 0.00949; ESP Exome Variant Server 0.01007; 1000 Genomes Project 30x 0.01218.
gnomAD v4.1: 2,446 of 1,607,722 alleles (0.15%); highest among the groups gnomAD compares: African/African-American, 3%; 28 homozygotes.

Submissions (8):

Women's Health and Genetics/Laboratory Corporation of America, LabCorp
Classification: Benign. Last evaluated: 2026-05-13. Review status: criteria provided, single submitter. Criteria: LabCorp Variant Classification Summary - May 2015. Collection method: clinical testing. Allele origin: germline.

Labcorp Genetics (formerly Invitae), Labcorp
Classification: Benign. Last evaluated: 2026-01-28. Review status: criteria provided, single submitter. Criteria: Invitae Variant Classification Sherloc (09022015). Collection method: clinical testing. Allele origin: germline.

ARUP Laboratories, Molecular Genetics and Genomics, ARUP Laboratories
Classification: Benign. Last evaluated: 2025-04-10. Review status: criteria provided, single submitter. Criteria: ARUP Molecular Germline Variant Investigation Process 2024. Collection method: clinical testing. Allele origin: germline.

Genome Diagnostics Laboratory, The Hospital for Sick Children
Classification: Likely benign for Connective tissue disorder. Last evaluated: 2020-09-30. Review status: criteria provided, single submitter. Criteria: ACMG Guidelines, 2015. Collection method: clinical testing. Allele origin: germline.

Illumina Laboratory Services, Illumina
Classification: Benign for Stickler syndrome type 2. Last evaluated: 2018-01-13. Review status: criteria provided, single submitter. Criteria: ICSL Variant Classification Criteria 13 December 2019. Collection method: clinical testing. Allele origin: germline.
Comment: This variant was observed in the ICSL laboratory as part of a predisposition screen in an ostensibly healthy population. It had not been previously curated by ICSL or reported in the Human Gene Mutation Database (HGMD: prior to June 1st, 2018), and was therefore a candidate for classification through an automated scoring system. Utilizing variant allele frequency, disease prevalence and penetrance estimates, and inheritance mode, an automated score was calculated to assess if this variant is too frequent to cause the disease. Based on the score and internal cut-off values, a variant classified as benign is not then subjected to further curation. The score for this variant resulted in a classification of benign for this disease.

Illumina Laboratory Services, Illumina
Classification: Benign for Fibrochondrogenesis 1. Last evaluated: 2018-01-13. Review status: criteria provided, single submitter. Criteria: ICSL Variant Classification Criteria 13 December 2019. Collection method: clinical testing. Allele origin: germline.
Comment: the same text as in the submission from Illumina Laboratory Services, Illumina above.

GeneDx
Classification: Benign. Last evaluated: 2017-10-20. Review status: criteria provided, single submitter. Criteria: GeneDx Variant Classification (06012015). Collection method: clinical testing. Allele origin: germline. Affected: yes.
Comment: This variant is considered likely benign or benign based on one or more of the following criteria: it is a conservative change, it occurs at a poorly conserved position in the protein, it is predicted to be benign by multiple in silico algorithms, and/or has population frequency not consistent with disease.

Breakthrough Genomics
Classification: Benign. Review status: criteria provided, single submitter. Criteria: ACMG Guidelines, 2015. Collection method: not provided. Allele origin: germline. Inheritance: Autosomal recessive inheritance. Affected: yes.

NM_001854.4(COL11A1):c.4965T>G (p.Ser1655=)

Gene: COL11A1 (collagen type XI alpha 1 chain; minus strand). Cytogenetic location: 1p21.1.
Variant type: single nucleotide variant.
Coding change: c.4965T>G on transcript NM_001854.4 (MANE Select); coding-DNA position 4965, T replaced by G.
Protein change: p.Ser1655=; no amino-acid change (serine 1655 retained).
Molecular consequence: synonymous variant. On other transcripts: non-coding transcript variant (1).
Genome position (GRCh38, 1-based): chr1:102,883,205, A>C on the plus strand (T>G on the coding strand, the complement: COL11A1 is on the minus strand). VCF-style: chr1-102883205-A-C. GRCh37 (hg19) VCF-style: chr1-103348761-A-C.
Other names: c.4848T>G, p.Ser1616= (NM_001190709.2); c.5001T>G, p.Ser1667= (NM_080629.3); c.4617T>G, p.Ser1539= (NM_080630.4).
Identifiers: ClinVar variation 291493 (VCV000291493.21), dbSNP rs74778421, ClinGen allele CA973366.
Genomic context (GRCh38, chr1:102,883,205, plus strand): 5'-GCAAAACATGGCAGGAACTGTCAACATTCACCACCAAAACAGATTGGTACTTACTCCCTC[A>C]GATTTTTTGTCTGGATAAATGCAAGTCTCACCACCAGATGTGAAATTACAGTAAACTTTG-3'
Protein context (NP_001845.3, residues 1645-1665): GETCIYPDKK[Ser1655=]EGVRISSWPK